The following is an entry in ClinVar:

ClinVar aggregate classification (germline): Pathogenic (1 of 4 stars; one submission).

Allele frequency attached by ClinVar (database versions not stated): gnomAD exomes below 0.00001.

Submission:

Labcorp Genetics (formerly Invitae), Labcorp
Classification: Pathogenic. Last evaluated: 2022-10-13. Review status: criteria provided, single submitter. Criteria: Invitae Variant Classification Sherloc (09022015). Collection method: clinical testing. Allele origin: germline.
Comment: This sequence change creates a premature translational stop signal (p.Gln518*) in the FASTKD2 gene. It is expected to result in an absent or disrupted protein product. Loss-of-function variants in FASTKD2 are known to be pathogenic (PMID: 18771761). This variant is not present in population databases (gnomAD no frequency). This variant has not been reported in the literature in individuals affected with FASTKD2-related conditions. Algorithms developed to predict the effect of sequence changes on RNA splicing suggest that this variant may disrupt the consensus splice site. For these reasons, this variant has been classified as Pathogenic.

Literature cited by the submitters: PubMed 18771761.

NM_001136193.2(FASTKD2):c.1552C>T (p.Gln518Ter)

Gene: FASTKD2 (FAST kinase domains 2; plus strand). Cytogenetic location: 2q33.3.
Variant type: single nucleotide variant.
Coding change: c.1552C>T on transcript NM_001136193.2 (MANE Select); coding-DNA position 1552, C replaced by T.
Protein change: p.Gln518Ter; replaces glutamine 518 with a stop codon.
Molecular consequence: nonsense.
Genome position (GRCh38, 1-based): chr2:206,786,857, C>T. VCF-style: chr2-206786857-C-T. GRCh37 (hg19) VCF-style: chr2-207651581-C-T.
Other names: c.1552C>T, p.Gln518Ter (NM_001136194.2, NM_014929.4); short protein forms Q518*.
Identifiers: ClinVar variation 1952979 (VCV001952979.5), dbSNP rs2468837499, ClinGen allele CA350082121.